The following is an entry in ClinVar:

NM_001330691.3(CEP78):c.1022C>A (p.Thr341Asn)

Gene: CEP78 (centrosomal protein 78; plus strand). Cytogenetic location: 9q21.2.
Variant type: single nucleotide variant.
Coding change: c.1022C>A on transcript NM_001330691.3 (MANE Select); coding-DNA position 1022, C replaced by A.
Protein change: p.Thr341Asn; replaces threonine 341 with asparagine.
Molecular consequence: missense variant.
Genome position (GRCh38, 1-based): chr9:78,248,826, C>A. VCF-style: chr9-78248826-C-A. GRCh37 (hg19) VCF-style: chr9-80863742-C-A.
Other names: c.1022C>A (NM_001098802.1); c.1022C>A, p.Thr341Asn (NM_001098802.3, NM_001330693.3, NM_001330694.2 and 4 more transcripts); short protein forms T341N.
Identifiers: ClinVar variation 1467931 (VCV001467931.7), dbSNP rs761677623, ClinGen allele CA5095115.

ClinVar aggregate classification (germline): Uncertain significance. Review status: criteria provided, multiple submitters, no conflicts (2 of 4 stars). 3 submissions from 3 submitters: Uncertain significance (3). Last evaluated 2025-10-15.

Conditions:
Inborn genetic diseases. Identifiers: MedGen C0950123, MeSH D030342.

Allele frequency attached by ClinVar (database versions not stated): gnomAD exomes 0.00003 and 0.00006; ExAC 0.00010.
gnomAD v4.1: 40 of 1,597,472 alleles (0.0025%); highest among the groups gnomAD compares: South Asian, 0.046%; 1 homozygote.

Submissions (3):

Ambry Genetics
Classification: Uncertain significance for Inborn genetic diseases. Last evaluated: 2025-10-15. Review status: criteria provided, single submitter. Criteria: Ambry Variant Classification Scheme 2023. Collection method: clinical testing. Allele origin: germline.

Blueprint Genetics
Classification: Uncertain significance. Last evaluated: 2022-08-22. Review status: criteria provided, single submitter. Criteria: ACMG Guidelines, 2015. Collection method: clinical testing. Allele origin: germline.

Labcorp Genetics (formerly Invitae), Labcorp
Classification: Uncertain significance. Last evaluated: 2021-08-30. Review status: criteria provided, single submitter. Criteria: Invitae Variant Classification Sherloc (09022015). Collection method: clinical testing. Allele origin: germline.
Comment: This sequence change replaces threonine with asparagine at codon 341 of the CEP78 protein (p.Thr341Asn). The threonine residue is moderately conserved and there is a small physicochemical difference between threonine and asparagine. This variant is present in population databases (rs761677623, ExAC 0.07%). This variant has not been reported in the literature in individuals affected with CEP78-related conditions. Algorithms developed to predict the effect of missense changes on protein structure and function are either unavailable or do not agree on the potential impact of this missense change (SIFT: "Tolerated"; PolyPhen-2: "Probably Damaging"; Align-GVGD: "Class C0"). In summary, the available evidence is currently insufficient to determine the role of this variant in disease. Therefore, it has been classified as a Variant of Uncertain Significance.